The following is an entry in ClinVar:

NM_003803.4(MYOM1):c.1392G>A (p.Arg464=)

Gene: MYOM1 (myomesin 1; minus strand). Cytogenetic location: 18p11.31.
Variant type: single nucleotide variant.
Coding change: c.1392G>A on transcript NM_003803.4 (MANE Select); coding-DNA position 1392, G replaced by A.
Protein change: p.Arg464=; no amino-acid change (arginine 464 retained).
Molecular consequence: synonymous variant.
Genome position (GRCh38, 1-based): chr18:3,164,387, C>T on the plus strand (G>A on the coding strand, the complement: MYOM1 is on the minus strand). VCF-style: chr18-3164387-C-T. GRCh37 (hg19) VCF-style: chr18-3164385-C-T.
Other names: c.1392G>A, p.Arg464= (NM_019856.2).
Identifiers: ClinVar variation 226800 (VCV000226800.22), dbSNP rs11659820, ClinGen allele CA8874959.

ClinVar aggregate classification (germline): Benign/Likely benign. Review status: criteria provided, multiple submitters, no conflicts (2 of 4 stars). 5 submissions from 5 submitters: Benign (4); Likely benign (1). Last evaluated 2026-02-04.

Conditions:
Hypertrophic cardiomyopathy. Also called: HYPERTROPHIC MYOCARDIOPATHY. Identifiers: Orphanet 217569, MedGen C0007194, MeSH D002312, MONDO:0005045, HP:0001639.

Allele frequency attached by ClinVar (database versions not stated): TOPMed 0.21551; ExAC 0.21558; ESP Exome Variant Server 0.22184; 1000 Genomes Project 0.16873; 1000 Genomes Project 30x 0.17411; gnomAD exomes 0.17952 and 0.20418; gnomAD 0.20926 and 0.21420.

Submissions (5):

Labcorp Genetics (formerly Invitae), Labcorp
Classification: Benign for Hypertrophic cardiomyopathy. Last evaluated: 2026-02-04. Review status: criteria provided, single submitter. Criteria: Invitae Variant Classification Sherloc (09022015). Collection method: clinical testing. Allele origin: germline.

Ambry Genetics
Classification: Likely benign. Last evaluated: 2022-05-17. Review status: criteria provided, single submitter. Criteria: Ambry Variant Classification Scheme 2023. Collection method: clinical testing. Allele origin: germline.

GeneDx
Classification: Benign. Last evaluated: 2018-09-04. Review status: criteria provided, single submitter. Criteria: GeneDx Variant Classification Process June 2021. Collection method: clinical testing. Allele origin: germline. Affected: yes.

Laboratory for Molecular Medicine, Mass General Brigham Personalized Medicine
Classification: Benign. Last evaluated: 2014-11-24. Review status: criteria provided, single submitter. Criteria: LMM Criteria. Collection method: clinical testing. Allele origin: germline. Observed: 172 variant alleles.
Comment: Arg464Arg in exon 10 of MYOM1: This variant is not expected to have clinical sig nificance because it does not alter an amino acid residue and is not located wit hin the splice consensus sequence. It has been identified in 25.2% (1026/4068) o f African American chromosomes from a broad population by the NHLBI Exome Sequen cing Project (dbSNP rs11659820).

Breakthrough Genomics
Classification: Benign. Review status: criteria provided, single submitter. Criteria: ACMG Guidelines, 2015. Collection method: not provided. Allele origin: germline. Inheritance: Unknown mechanism. Affected: yes.